The following is an entry in ClinVar:

ClinVar aggregate classification (germline): Uncertain significance. Review status: criteria provided, multiple submitters, no conflicts (2 of 4 stars). 2 submissions from 2 submitters: Uncertain significance (2). Last evaluated 2025-07-14.

Conditions:
CFTR-related disorder (CFTR-RD). Also called: CFTR-related condition; CFTR-related disorders. Identifiers: MedGen C5924204, MONDO:7770004.
Cystic fibrosis (CF). Also called: MUCOVISCIDOSIS. Identifiers: Orphanet 586, MedGen C0010674, MONDO:0009061, OMIM 219700. Disease mechanism: loss of function.

Allele frequency attached by ClinVar (database versions not stated): gnomAD exomes below 0.00001; gnomAD 0.00001; TOPMed 0.00001.
gnomAD v4.1: 4 of 1,611,518 alleles (0.00025%); highest among the groups gnomAD compares: African/African-American, 0.004%; no homozygotes.

Submissions (2):

Ambry Genetics
Classification: Uncertain significance for Cystic fibrosis. Last evaluated: 2025-07-14. Review status: criteria provided, single submitter. Criteria: Ambry Variant Classification Scheme 2023. Collection method: clinical testing. Allele origin: germline.
Comment: The p.F78L variant (also known as c.232T>C), located in coding exon 3 of the CFTR gene, results from a T to C substitution at nucleotide position 232. The phenylalanine at codon 78 is replaced by leucine, an amino acid with highly similar properties. This amino acid position is well conserved in available vertebrate species. In addition, the in silico prediction for this alteration is inconclusive. Based on the available evidence, the clinical significance of this variant remains unclear.

Illumina Laboratory Services, Illumina
Classification: Uncertain significance for CFTR-Related Disorders. Last evaluated: 2017-04-28. Review status: criteria provided, single submitter. Criteria: ICSL Variant Classification Criteria 13 December 2019. Collection method: clinical testing. Allele origin: germline.

NM_000492.4(CFTR):c.232T>C (p.Phe78Leu)

Gene: CFTR (CF transmembrane conductance regulator; plus strand). Cytogenetic location: 7q31.2.
Variant type: single nucleotide variant.
Coding change: c.232T>C on transcript NM_000492.4 (MANE Select); coding-DNA position 232, T replaced by C.
Protein change: p.Phe78Leu; replaces phenylalanine 78 with leucine.
Molecular consequence: missense variant.
Genome position (GRCh38, 1-based): chr7:117,509,101, T>C. VCF-style: chr7-117509101-T-C. GRCh37 (hg19) VCF-style: chr7-117149155-T-C.
Other names: short protein forms F78L.
Identifiers: ClinVar variation 910137 (VCV000910137.7), dbSNP rs1181846000, ClinGen allele CA368972228.